The following is an entry in ClinVar:

NM_003442.6(ZNF143):c.926A>G (p.Lys309Arg)

Gene: ZNF143 (zinc finger protein 143; plus strand). Cytogenetic location: 11p15.4.
Variant type: single nucleotide variant.
Coding change: c.926A>G on transcript NM_003442.6 (MANE Select); coding-DNA position 926, A replaced by G.
Protein change: p.Lys309Arg; replaces lysine 309 with arginine.
Molecular consequence: missense variant.
Genome position (GRCh38, 1-based): chr11:9,497,759, A>G. VCF-style: chr11-9497759-A-G. GRCh37 (hg19) VCF-style: chr11-9519306-A-G.
Other names: c.923A>G, p.Lys308Arg (NM_001282656.2); c.833A>G, p.Lys278Arg (NM_001282657.2); short protein forms K278R, K308R, K309R.
Identifiers: ClinVar variation 1972829 (VCV001972829.5), dbSNP rs1390631847, ClinGen allele CA379625944.

ClinVar aggregate classification (germline): Uncertain significance (1 of 4 stars; one submission).

Allele frequency attached by ClinVar (database versions not stated): TOPMed below 0.00001; gnomAD exomes below 0.00001.
gnomAD v4.1: 1 of 1,612,880 alleles (0.000062%); highest among the groups gnomAD compares: East Asian, 0.0022%; no homozygotes.

Submission:

Labcorp Genetics (formerly Invitae), Labcorp
Classification: Uncertain significance. Last evaluated: 2024-12-02. Review status: criteria provided, single submitter. Criteria: Invitae Variant Classification Sherloc (09022015). Collection method: clinical testing. Allele origin: germline.
Comment: This sequence change replaces lysine, which is basic and polar, with arginine, which is basic and polar, at codon 309 of the ZNF143 protein (p.Lys309Arg). This variant is not present in population databases (gnomAD no frequency). This variant has not been reported in the literature in individuals affected with ZNF143-related conditions. ClinVar contains an entry for this variant (Variation ID: 1972829). An algorithm developed to predict the effect of missense changes on protein structure and function (PolyPhen-2) suggests that this variant is likely to be disruptive. In summary, the available evidence is currently insufficient to determine the role of this variant in disease. Therefore, it has been classified as a Variant of Uncertain Significance.